The following is an entry in ClinVar:

NM_001379081.2(FREM1):c.4580C>A (p.Pro1527His)

Gene: FREM1 (FRAS1 related extracellular matrix 1; minus strand). Cytogenetic location: 9p22.3.
Variant type: single nucleotide variant.
Coding change: c.4580C>A on transcript NM_001379081.2 (MANE Select); coding-DNA position 4580, C replaced by A.
Protein change: p.Pro1527His; replaces proline 1527 with histidine.
Molecular consequence: missense variant. On other transcripts: non-coding transcript variant (2).
Genome position (GRCh38, 1-based): chr9:14,776,066, G>T on the plus strand (C>A on the coding strand, the complement: FREM1 is on the minus strand). VCF-style: chr9-14776066-G-T. GRCh37 (hg19) VCF-style: chr9-14776064-G-T.
Other names: c.188C>A, p.Pro63His (NM_001177704.3, NM_001370058.2, NM_001370061.2); c.4580C>A, p.Pro1527His (NM_144966.7); c.4580C>A (NM_144966.5); short protein forms P1527H, P63H.
Identifiers: ClinVar variation 2185328 (VCV002185328.3), dbSNP rs369703203, ClinGen allele CA4990124.

ClinVar aggregate classification (germline): Uncertain significance. Review status: criteria provided, multiple submitters, no conflicts (2 of 4 stars). 3 submissions from 3 submitters: Uncertain significance (3). Last evaluated 2024-01-04.

Conditions:
Inborn genetic diseases. Identifiers: MedGen C0950123, MeSH D030342.
BNAR syndrome. Also called: Bifid Nose With or Without Anorectal and Renal Anomalies (BNAR) Syndrome. Identifiers: Orphanet 217266, MedGen C2750433, MONDO:0012165, OMIM 608980.
Oculotrichoanal syndrome (MOTA). Also called: MARLES SYNDROME; Manitoba Oculotrichoanal (MOTA) Syndrome. Identifiers: Orphanet 2717, MedGen C1855425, MONDO:0009560, OMIM 248450.
Trigonocephaly 2 (TRIGNO2). Identifiers: Orphanet 3366, MedGen C3280974, MONDO:0013774, OMIM 614485.

Allele frequency attached by ClinVar (database versions not stated): gnomAD 0.00009; ESP Exome Variant Server 0.00008; ExAC 0.00007; TOPMed 0.00008; gnomAD exomes 0.00018.
gnomAD v4.1: 277 of 1,613,568 alleles (0.017%); highest among the groups gnomAD compares: Non-Finnish European, 0.022%; no homozygotes.

Submissions (3):

Fulgent Genetics
Classification: Uncertain significance for Oculotrichoanal syndrome; BNAR syndrome; Trigonocephaly 2. Last evaluated: 2024-01-04. Review status: criteria provided, single submitter. Criteria: ACMG Guidelines, 2015. Collection method: clinical testing. Allele origin: germline.

Ambry Genetics
Classification: Uncertain significance for Inborn genetic diseases. Last evaluated: 2023-12-17. Review status: criteria provided, single submitter. Criteria: Ambry Variant Classification Scheme 2023. Collection method: clinical testing. Allele origin: germline.

Labcorp Genetics (formerly Invitae), Labcorp
Classification: Uncertain significance. Last evaluated: 2022-07-25. Review status: criteria provided, single submitter. Criteria: Invitae Variant Classification Sherloc (09022015). Collection method: clinical testing. Allele origin: germline.
Comment: This sequence change replaces proline, which is neutral and non-polar, with histidine, which is basic and polar, at codon 1527 of the FREM1 protein (p.Pro1527His). This variant is present in population databases (rs369703203, gnomAD 0.01%). This variant has not been reported in the literature in individuals affected with FREM1-related conditions. Algorithms developed to predict the effect of missense changes on protein structure and function are either unavailable or do not agree on the potential impact of this missense change (SIFT: "Deleterious"; PolyPhen-2: "Possibly Damaging"; Align-GVGD: "Class C0"). In summary, the available evidence is currently insufficient to determine the role of this variant in disease. Therefore, it has been classified as a Variant of Uncertain Significance.